The following is an entry in ClinVar:

ClinVar aggregate classification (germline): Uncertain significance (1 of 4 stars; one submission).

Submission:

GeneDx
Classification: Uncertain significance. Last evaluated: 2022-12-01. Review status: criteria provided, single submitter. Criteria: GeneDx Variant Classification Process June 2021. Collection method: clinical testing. Allele origin: germline. Affected: yes.
Comment: Not observed at significant frequency in large population cohorts (gnomAD); In silico analysis supports that this missense variant does not alter protein structure/function; Has not been previously published as pathogenic or benign to our knowledge

NM_001083619.3(GRIA2):c.2437G>C (p.Val813Leu)

Gene: GRIA2 (glutamate ionotropic receptor AMPA type subunit 2; plus strand). Cytogenetic location: 4q32.1.
Variant type: single nucleotide variant.
Coding change: c.2437G>C on transcript NM_001083619.3 (MANE Select); coding-DNA position 2437, G replaced by C.
Protein change: p.Val813Leu; replaces valine 813 with leucine.
Molecular consequence: missense variant.
Genome position (GRCh38, 1-based): chr4:157,362,829, G>C. VCF-style: chr4-157362829-G-C. GRCh37 (hg19) VCF-style: chr4-158283981-G-C.
Other names: c.2437G>C, p.Val813Leu (NM_000826.6); c.2296G>C, p.Val766Leu (NM_001083620.3, NM_001379000.3, NM_001379001.3); short protein forms V766L, V813L.
Identifiers: ClinVar variation 2504536 (VCV002504536.1), dbSNP rs1736693385, ClinGen allele CA358650972.